The following is an entry in ClinVar:

NM_000246.4(CIITA):c.1738C>T (p.Arg580Cys)

Gene: CIITA (class II major histocompatibility complex transactivator; plus strand). Cytogenetic location: 16p13.13.
Variant type: single nucleotide variant.
Coding change: c.1738C>T on transcript NM_000246.4 (MANE Select); coding-DNA position 1738, C replaced by T.
Protein change: p.Arg580Cys; replaces arginine 580 with cysteine.
Molecular consequence: missense variant. On other transcripts: intron variant (1).
Genome position (GRCh38, 1-based): chr16:10,907,230, C>T. VCF-style: chr16-10907230-C-T. GRCh37 (hg19) VCF-style: chr16-11001087-C-T.
Other names: c.1741C>T, p.Arg581Cys (NM_001286402.1, NM_001379332.1); c.1594C>T, p.Arg532Cys (NM_001379330.1); c.1591C>T, p.Arg531Cys (NM_001379331.1); c.1738C>T, p.Arg580Cys (NM_001379333.1); c.1669C>T, p.Arg557Cys (NM_001379334.1); c.860-1753C>T (NM_001286403.2); short protein forms R581C, R580C, R531C, R532C, R557C.
Identifiers: ClinVar variation 1475028 (VCV001475028.4), dbSNP rs746880514, ClinGen allele CA7900210.
Genomic context (GRCh38, chr16:10,907,230, plus strand): 5'-GCCGACGCCCTATTTGAGCTGTCCGGCTTCTCCATGGAGCAGGCCCAGGCATACGTGATG[C>T]GCTACTTTGAGAGCTCAGGGATGACAGAGCACCAAGACAGAGCCCTGACGCTCCTCCGGG-3'
Protein context (NP_000237.2, residues 570-590): SMEQAQAYVM[Arg580Cys]YFESSGMTEH

ClinVar aggregate classification (germline): Uncertain significance (1 of 4 stars; one submission).

Conditions:
MHC class II deficiency. Also called: BLS, TYPE II; Bare lymphocyte syndrome 2. Identifiers: Orphanet 572, MedGen C5447452, MONDO:0008855.

Allele frequency attached by ClinVar (database versions not stated): ExAC 0.00001; gnomAD 0.00002 and 0.00003; gnomAD exomes below 0.00001; TOPMed below 0.00001.
gnomAD v4.1: 15 of 1,613,446 alleles (0.00093%); highest among the groups gnomAD compares: Admixed American, 0.0033%; no homozygotes.

Submission:

Labcorp Genetics (formerly Invitae), Labcorp
Classification: Uncertain significance for MHC class II deficiency. Last evaluated: 2025-10-13. Review status: criteria provided, single submitter. Criteria: Invitae Variant Classification Sherloc (09022015). Collection method: clinical testing. Allele origin: germline.
Comment: This sequence change replaces arginine, which is basic and polar, with cysteine, which is neutral and slightly polar, at codon 580 of the CIITA protein (p.Arg580Cys). The frequency data for this variant in the population databases is considered unreliable, as metrics indicate poor data quality at this position in the gnomAD database. This variant has not been reported in the literature in individuals affected with CIITA-related conditions. ClinVar contains an entry for this variant (Variation ID: 1475028). An algorithm developed to predict the effect of missense changes on protein structure and function outputs the following: PolyPhen-2: "Benign". The cysteine amino acid residue is found in multiple mammalian species, which suggests that this missense change does not adversely affect protein function. In summary, the available evidence is currently insufficient to determine the role of this variant in disease. Therefore, it has been classified as a Variant of Uncertain Significance.